The following is an entry in ClinVar:

NM_000092.5(COL4A4):c.4556C>T (p.Thr1519Met)

Gene: COL4A4 (collagen type IV alpha 4 chain; minus strand). Cytogenetic location: 2q36.3.
Variant type: single nucleotide variant.
Coding change: c.4556C>T on transcript NM_000092.5 (MANE Select); coding-DNA position 4556, C replaced by T.
Protein change: p.Thr1519Met; replaces threonine 1519 with methionine.
Molecular consequence: missense variant.
Genome position (GRCh38, 1-based): chr2:227,008,271, G>A on the plus strand (C>T on the coding strand, the complement: COL4A4 is on the minus strand). VCF-style: chr2-227008271-G-A. GRCh37 (hg19) VCF-style: chr2-227872987-G-A.
Other names: short protein forms T1519M.
Identifiers: ClinVar variation 2151110 (VCV002151110.5), dbSNP rs770268591, ClinGen allele CA2144121.

ClinVar aggregate classification (germline): Uncertain significance. Review status: criteria provided, multiple submitters, no conflicts (2 of 4 stars). 4 submissions from 4 submitters: Uncertain significance (4). Last evaluated 2026-10-06.

Conditions:
Alport syndrome. Also called: Hemorrhagic familial nephritis; Hemorrhagic hereditary nephritis; Congenital hereditary hematuria. Identifiers: Orphanet 63, MedGen C1567741, MONDO:0018965.
Hematuria, benign familial, 1 (BFH1). Also called: THIN MEMBRANE NEPHROPATHY. Identifiers: MedGen CN376803, MONDO:0007709, OMIM 141200.
Autosomal recessive Alport syndrome (ATS2). Also called: COL4A4 Alport Syndrome and Thin Basement Membrane Nephropathy; Alport syndrome type 2; COL4A3-Related Nephropathy; ALPORT SYNDROME 2, AUTOSOMAL RECESSIVE. Identifiers: Orphanet 63, Orphanet 88919, MedGen C4746745, MONDO:0008762, OMIM 203780.

Allele frequency attached by ClinVar (database versions not stated): ExAC 0.00002; gnomAD exomes 0.00004; gnomAD 0.00003.
gnomAD v4.1: 63 of 1,614,128 alleles (0.0039%); highest among the groups gnomAD compares: Non-Finnish European, 0.0047%; no homozygotes.

Submissions (4):

GeneDx
Classification: Uncertain significance. Last evaluated: 2026-10-06. Review status: criteria provided, single submitter. Criteria: GeneDx Variant Classification Process June 2021. Collection method: clinical testing. Allele origin: germline.
Comment: In silico analysis supports that this missense variant has a deleterious effect on protein structure/function; This variant is associated with the following publications: (PMID: 38972501)

Myriad Genetics, Inc.
Classification: Uncertain significance for Alport syndrome. Last evaluated: 2026-04-20. Review status: criteria provided, single submitter. Criteria: Myriad Autosomal Dominant, Autosomal Recessive and X-Linked Classification Criteria (2023). Collection method: clinical testing. Allele origin: unknown.
Comment: NM_000092.4(COL4A4):c.4556C>T(T1519M) is a missense variant classified as a variant of uncertain significance in the context of Alport syndrome, COL4A4-related. T1519M has not been observed in cases with relevant disease. Relevant functional assessments of this variant are not available in the literature. T1519M has been observed in referenced population frequency databases. In summary, there is insufficient evidence to classify NM_000092.4(COL4A4):c.4556C>T(T1519M) as pathogenic or benign. Please note: this variant was assessed in the context of healthy population screening.

Fulgent Genetics
Classification: Uncertain significance for Hematuria, benign familial, 1; Autosomal recessive Alport syndrome. Last evaluated: 2024-05-20. Review status: criteria provided, single submitter. Criteria: ACMG Guidelines, 2015. Collection method: clinical testing. Allele origin: germline.

Labcorp Genetics (formerly Invitae), Labcorp
Classification: Uncertain significance. Last evaluated: 2021-08-27. Review status: criteria provided, single submitter. Criteria: Invitae Variant Classification Sherloc (09022015). Collection method: clinical testing. Allele origin: germline.
Comment: This sequence change replaces threonine with methionine at codon 1519 of the COL4A4 protein (p.Thr1519Met). The threonine residue is highly conserved and there is a moderate physicochemical difference between threonine and methionine. This variant is present in population databases (rs770268591, ExAC 0.005%). This variant has not been reported in the literature in individuals affected with COL4A4-related conditions. In summary, the available evidence is currently insufficient to determine the role of this variant in disease. Therefore, it has been classified as a Variant of Uncertain Significance.